The following is an entry in ClinVar:

ClinVar aggregate classification (germline): Likely pathogenic. Review status: criteria provided, multiple submitters, no conflicts (2 of 4 stars). 2 submissions from 2 submitters: Likely pathogenic (2). Last evaluated 2024-12-26.

Conditions:
Juvenile polyposis/hereditary hemorrhagic telangiectasia syndrome (JPHT). Also called: JP/HHT SYNDROME; JUVENILE POLYPOSIS WITH HEREDITARY HEMORRHAGIC TELANGIECTASIA; POLYPOSIS, GENERALIZED JUVENILE, WITH PULMONARY ARTERIOVENOUS MALFORMATION; TELANGIECTASIA, HEREDITARY HEMORRHAGIC, WITH JUVENILE POLYPOSIS COLI; Juvenile Polyposis Syndrome / Hereditary Hemorrhagic Telangiectasia (JPS/HHT). Identifiers: Orphanet 2929, MedGen C1832942, MONDO:0008278, OMIM 175050.

Submissions (2):

Johns Hopkins Genomics, Johns Hopkins University
Classification: Likely pathogenic for Juvenile polyposis/hereditary hemorrhagic telangiectasia syndrome. Last evaluated: 2024-12-26. Review status: criteria provided, single submitter. Criteria: ACMG Guidelines, 2015. Collection method: clinical testing. Allele origin: germline.
Comment: This SPTA1 frameshift variant is absent from a large population dataset but has been reported in ClinVar (Variation ID: 1163164). This frameshift variant is predicted to lead to a premature stop codon within the the last exon of the gene, likely escaping nonsense-mediated RNA decay, and replacing the last 70 amino acids with 13 novel amino acids. Previous studies have shown that the C-terminal part of SPTA1 is essential for its interaction with other red blood cell structural proteins. We consider the SPTA1 c.7181_7182del variant to be likely pathogenic.

Mayo Clinic Laboratories, Mayo Clinic
Classification: Likely pathogenic. Last evaluated: 2020-09-10. Review status: criteria provided, single submitter. Criteria: ACMG Guidelines, 2015. Collection method: clinical testing. Allele origin: germline. Observed: 1 variant allele.
Comment: PVS1_strong, PM2

Literature cited by the submitters: PubMed 20007969 (cited by Johns Hopkins Genomics, Johns Hopkins University and Mayo Clinic Laboratories, Mayo Clinic); PubMed 20585040 (cited by Johns Hopkins Genomics, Johns Hopkins University and Mayo Clinic Laboratories, Mayo Clinic); PubMed 29095814 (cited by Mayo Clinic Laboratories, Mayo Clinic); PubMed 31038472 (cited by Mayo Clinic Laboratories, Mayo Clinic).

NM_003126.4(SPTA1):c.7181_7182del (p.Gln2394fs)

Genes: OR10Z1 (olfactory receptor family 10 subfamily Z member 1; plus strand), SPTA1 (spectrin alpha, erythrocytic 1; minus strand). Cytogenetic location: 1q23.1.
Variant type: Deletion.
Coding change: c.7181_7182del on transcript NM_003126.4 (MANE Select); coding-DNA positions 7181 to 7182, 2 bases deleted (AA; older notation c.7181_7182delAA).
Protein change: p.Gln2394fs; shifts the reading frame from glutamine 2394.
Molecular consequence: frameshift variant. On other transcripts: 3 prime UTR variant (1).
Genome position (GRCh38, 1-based): chr1:158,611,342-158,611,343, TT deleted on the plus strand (AA on the coding strand, the reverse complement: SPTA1 is on the minus strand). VCF-style (leftmost placement, unchanged base first): chr1-158611341-ATT-A. GRCh37 (hg19) VCF-style: chr1-158581131-ATT-A.
Other names: c.*3962_*3963del (NM_001004478.2); short protein forms Q2394fs.
Identifiers: ClinVar variation 1163164 (VCV001163164.6), dbSNP rs2101741276, ClinGen allele CA2499214253.
Genomic context (GRCh38, chr1:158,611,341, plus strand): 5'-AATTGGTGAAGCCAACGTAGTCATAGCCAGAGAGATGGCTTCGACCCCGTGGGTCCATAT[ATT>A]GCTGCATATGTGTGGCACAGAATGACACTTGCTCTGGGGTAAGGGCCTGAAAAGTATAAA-3'